The following is an entry in ClinVar:

ClinVar aggregate classification (germline): Uncertain significance. Review status: criteria provided, multiple submitters, no conflicts (2 of 4 stars). 3 submissions from 3 submitters: Uncertain significance (3). Last evaluated 2025-03-25.

Conditions:
Hereditary cancer-predisposing syndrome. Also called: Neoplastic Syndromes, Hereditary; Tumor predisposition; Hereditary neoplastic syndrome; Hereditary Cancer Syndrome. Identifiers: Orphanet 140162, MedGen C0027672, MeSH D009386, MONDO:0015356.
Familial adenomatous polyposis 1 (FAP1). Also called: FAMILIAL ADENOMATOUS POLYPOSIS 1, ATTENUATED; POLYPOSIS, ADENOMATOUS INTESTINAL. Identifiers: MedGen C2713442, MONDO:0021056, OMIM 175100. Disease mechanism: loss of function.

Allele frequency attached by ClinVar (database versions not stated): gnomAD exomes below 0.00001; ExAC 0.00001.
gnomAD v4.1: 1 of 1,613,880 alleles (0.000062%); highest among the groups gnomAD compares: Non-Finnish European, 0.000085%; no homozygotes.

Submissions (3):

Ambry Genetics
Classification: Uncertain significance for Hereditary cancer-predisposing syndrome. Last evaluated: 2025-03-25. Review status: criteria provided, single submitter. Criteria: Ambry Variant Classification Scheme 2023. Collection method: clinical testing. Allele origin: germline.
Comment: The p.I1975V variant (also known as c.5923A>G), located in coding exon 15 of the APC gene, results from an A to G substitution at nucleotide position 5923. The isoleucine at codon 1975 is replaced by valine, an amino acid with highly similar properties. This amino acid position is well conserved in available vertebrate species. In addition, in silico predictors for this gene do not accurately predict pathogenicity. Missense alterations in APC are not a common cause of disease (Spier I et al. Genet Med. 2024 Feb;26(2):100992). Based on the available evidence, the clinical significance of this variant remains unclear.

Color Diagnostics, LLC DBA Color Health
Classification: Uncertain significance for Hereditary cancer-predisposing syndrome. Last evaluated: 2024-03-06. Review status: criteria provided, single submitter. Criteria: ACMG Guidelines, 2015. Collection method: clinical testing. Allele origin: germline.
Comment: This missense variant replaces isoleucine with valine at codon 1975 of the APC protein. Computational prediction suggests that this variant may not impact protein structure and function (internally defined REVEL score threshold <= 0.5, PMID: 27666373). To our knowledge, functional studies have not been reported for this variant. This variant has not been reported in individuals affected with hereditary cancer in the literature. This variant has been identified in 1/250632 chromosomes in the general population by the Genome Aggregation Database (gnomAD). The available evidence is insufficient to determine the role of this variant in disease conclusively. Therefore, this variant is classified as a Variant of Uncertain Significance.

Labcorp Genetics (formerly Invitae), Labcorp
Classification: Uncertain significance for Familial adenomatous polyposis 1. Last evaluated: 2020-10-15. Review status: criteria provided, single submitter. Criteria: Invitae Variant Classification Sherloc (09022015). Collection method: clinical testing. Allele origin: germline.
Comment: This sequence change replaces isoleucine with valine at codon 1975 of the APC protein (p.Ile1975Val). The isoleucine residue is highly conserved and there is a small physicochemical difference between isoleucine and valine. This variant is present in population databases (rs765104249, ExAC 0.002%). This variant has not been reported in the literature in individuals with APC-related disease. Algorithms developed to predict the effect of missense changes on protein structure and function (SIFT, PolyPhen-2, Align-GVGD) all suggest that this variant is likely to be tolerated, but these predictions have not been confirmed by published functional studies and their clinical significance is uncertain. In summary, the available evidence is currently insufficient to determine the role of this variant in disease. Therefore, it has been classified as a Variant of Uncertain Significance.

NM_000038.6(APC):c.5923A>G (p.Ile1975Val)

Gene: APC (APC regulator of Wnt signaling pathway; plus strand). Cytogenetic location: 5q22.2.
Variant type: single nucleotide variant.
Coding change: c.5923A>G on transcript NM_000038.6 (MANE Select); coding-DNA position 5923, A replaced by G.
Protein change: p.Ile1975Val; replaces isoleucine 1975 with valine.
Molecular consequence: missense variant.
Genome position (GRCh38, 1-based): chr5:112,841,517, A>G. VCF-style: chr5-112841517-A-G. GRCh37 (hg19) VCF-style: chr5-112177214-A-G.
Other names: c.5923A>G, p.Ile1975Val (NM_001354895.2, NM_001127510.3); c.5977A>G, p.Ile1993Val (NM_001354896.2); c.5746A>G, p.Ile1916Val (NM_001354901.2); c.5545A>G, p.Ile1849Val (NM_001354904.2); c.5650A>G, p.Ile1884Val (NM_001354902.2); c.5620A>G, p.Ile1874Val (NM_001354903.2); c.5848A>G, p.Ile1950Val (NM_001354898.2); c.5839A>G, p.Ile1947Val (NM_001354899.2); and 5 more; short protein forms I1975V, I1957V, I1815V, I1985V, I1916V, I1934V, I1947V, I1950V.
Identifiers: ClinVar variation 578783 (VCV000578783.19), dbSNP rs765104249, ClinGen allele CA043429.
Genomic context (GRCh38, chr5:112,841,517, plus strand): 5'-GCTATTGAAAATACTCCGGTTTGCTTTTCTCATAATTCCTCTCTGAGTTCTCTCAGTGAC[A>G]TTGACCAAGAAAACAACAATAAAGAAAATGAACCTATCAAAGAGACTGAGCCCCCTGACT-3'
Protein context (NP_000029.2, residues 1965-1985): HNSSLSSLSD[Ile1975Val]DQENNNKENE